The following is an entry in ClinVar:

NM_003995.4(NPR2):c.388T>C (p.Ser130Pro)

Gene: NPR2 (natriuretic peptide receptor 2; plus strand). Cytogenetic location: 9p13.3.
Variant type: single nucleotide variant.
Coding change: c.388T>C on transcript NM_003995.4 (MANE Select); coding-DNA position 388, T replaced by C.
Protein change: p.Ser130Pro; replaces serine 130 with proline.
Molecular consequence: missense variant.
Genome position (GRCh38, 1-based): chr9:35,792,796, T>C. VCF-style: chr9-35792796-T-C. GRCh37 (hg19) VCF-style: chr9-35792793-T-C.
Other names: c.388T>C, p.Ser130Pro (NM_001378923.1); short protein forms S130P.
Identifiers: ClinVar variation 4783100 (VCV004783100.1).

ClinVar aggregate classification (germline): Uncertain significance (1 of 4 stars; one submission).

Conditions:
Tall stature-scoliosis-macrodactyly of the great toes syndrome. Also called: Epiphyseal chondrodysplasia, miura type. Identifiers: Orphanet 329191, MedGen C4014690, MONDO:0014401, OMIM 615923.
Acromesomelic dysplasia 1, Maroteaux type (AMD1). Also called: ACROMESOMELIC DYSPLASIA 1; ST. HELENA DYSPLASIA. Identifiers: Orphanet 40, MedGen C1864356, MONDO:0011275, OMIM 602875.

Submission:

Labcorp Genetics (formerly Invitae), Labcorp
Classification: Uncertain significance for Tall stature-scoliosis-macrodactyly of the great toes syndrome; Acromesomelic dysplasia 1, Maroteaux type. Last evaluated: 2025-04-17. Review status: criteria provided, single submitter. Criteria: Invitae Variant Classification Sherloc (09022015). Collection method: clinical testing. Allele origin: germline.
Comment: This sequence change replaces serine, which is neutral and polar, with proline, which is neutral and non-polar, at codon 130 of the NPR2 protein (p.Ser130Pro). This variant is not present in population databases (gnomAD no frequency). This variant has not been reported in the literature in individuals affected with NPR2-related conditions. Invitae Evidence Modeling of protein sequence and biophysical properties (such as structural, functional, and spatial information, amino acid conservation, physicochemical variation, residue mobility, and thermodynamic stability) indicates that this missense variant is not expected to disrupt NPR2 protein function with a negative predictive value of 80%. In summary, the available evidence is currently insufficient to determine the role of this variant in disease. Therefore, it has been classified as a Variant of Uncertain Significance.